The following is an entry in ClinVar:

NM_052909.5(PLEKHG4B):c.4192G>A (p.Asp1398Asn)

Gene: PLEKHG4B (pleckstrin homology and RhoGEF domain containing G4B; plus strand). Cytogenetic location: 5p15.33.
Variant type: single nucleotide variant.
Coding change: c.4192G>A on transcript NM_052909.5 (MANE Select); coding-DNA position 4192, G replaced by A.
Protein change: p.Asp1398Asn; replaces aspartic acid 1398 with asparagine.
Molecular consequence: missense variant.
Genome position (GRCh38, 1-based): chr5:173,038, G>A. VCF-style: chr5-173038-G-A. GRCh37 (hg19) VCF-style: chr5-173153-G-A.
Other names: short protein forms D1398N.
Identifiers: ClinVar variation 983099 (VCV000983099.1), dbSNP rs750021350, ClinGen allele CA3171800.

ClinVar aggregate classification (germline): Uncertain significance (1 of 4 stars; one submission).

Conditions:
Neurodevelopmental disorder. Identifiers: MedGen C1535926, MeSH D065886, MONDO:0700092.

Allele frequency attached by ClinVar (database versions not stated): TOPMed 0.00002.
gnomAD v4.1: 10 of 1,613,970 alleles (0.00062%); highest among the groups gnomAD compares: African/African-American, 0.0013%; no homozygotes.

Submission:

Institute of Human Genetics, University of Leipzig Medical Center
Classification: Uncertain significance for Neurodevelopmental disorder. Last evaluated: 2019-01-01. Review status: criteria provided, single submitter. Criteria: ACMG Guidelines, 2015. Collection method: clinical testing. Allele origin: unknown. Affected: yes.
Comment: This variant was identified as compound heterozygous.